The following is an entry in ClinVar:

NM_000051.4(ATM):c.3124C>T (p.Leu1042=)

Gene: ATM (ATM serine/threonine kinase; plus strand). Cytogenetic location: 11q22.3.
Variant type: single nucleotide variant.
Coding change: c.3124C>T on transcript NM_000051.4 (MANE Select); coding-DNA position 3124, C replaced by T.
Protein change: p.Leu1042=; no amino-acid change (leucine 1042 retained).
Molecular consequence: synonymous variant.
Genome position (GRCh38, 1-based): chr11:108,272,578, C>T. VCF-style: chr11-108272578-C-T. GRCh37 (hg19) VCF-style: chr11-108143305-C-T.
Other names: c.3124C>T, p.Leu1042= (NM_001351834.2).
Identifiers: ClinVar variation 3254529 (VCV003254529.1), dbSNP rs1177614796.
Genomic context (GRCh38, chr11:108,272,578, plus strand): 5'-TTACTTGATTTCAGGCATCTAACAAAGGAGAGGAAATATATATTCTCTGTAAGAATGGCC[C>T]TAGTAAATTGCCTTAAAACTTTGCTTGAGGTGAGTTTTTGCATTTTTTTAGTAAGATCTC-3'
Protein context (NP_000042.3, residues 1032-1052): RKYIFSVRMA[Leu1042=]VNCLKTLLEA

ClinVar aggregate classification (germline): Benign (1 of 4 stars; one submission).

Conditions:
Familial cancer of breast. Also called: BREAST CANCER, FAMILIAL; Hereditary breast cancer; hereditary breast carcinoma. Identifiers: Orphanet 227535, MedGen C0346153, MONDO:0016419, OMIM 114480. Disease mechanism: loss of function.

gnomAD v4.1: 1 of 1,613,748 alleles (0.000062%); highest among the groups gnomAD compares: South Asian, 0.0011%; no homozygotes.

Submission:

Myriad Genetics, Inc.
Classification: Benign for Familial cancer of breast. Last evaluated: 2024-05-13. Review status: criteria provided, single submitter. Criteria: Myriad Autosomal Dominant, Autosomal Recessive and X-Linked Classification Criteria (2023). Collection method: clinical testing. Allele origin: unknown.
Comment: This variant is considered benign. This variant is a silent/synonymous amino acid change and it is not expected to impact splicing.